The following is an entry in ClinVar:

NM_000138.5(FBN1):c.776G>A (p.Gly259Glu)

Gene: FBN1 (fibrillin 1; minus strand). Cytogenetic location: 15q21.1.
Variant type: single nucleotide variant.
Coding change: c.776G>A on transcript NM_000138.5 (MANE Select); coding-DNA position 776, G replaced by A.
Protein change: p.Gly259Glu; replaces glycine 259 with glutamic acid.
Molecular consequence: missense variant.
Genome position (GRCh38, 1-based): chr15:48,534,166, C>T on the plus strand (G>A on the coding strand, the complement: FBN1 is on the minus strand). VCF-style: chr15-48534166-C-T. GRCh37 (hg19) VCF-style: chr15-48826363-C-T.
Other names: short protein forms G259E.
Identifiers: ClinVar variation 549428 (VCV000549428.37), dbSNP rs751169871, ClinGen allele CA059184.

ClinVar aggregate classification (germline): Conflicting classifications of pathogenicity. Review status: criteria provided, conflicting classifications (1 of 4 stars). 8 submissions from 8 submitters: Pathogenic (1); Uncertain significance (6). 1 of the submissions does not count toward it. Last evaluated 2026-01-12.

Conditions:
MASS syndrome (OCTD). Also called: OVERLAP CONNECTIVE TISSUE DISEASE; MASS PHENOTYPE. Identifiers: MedGen C1858556, MONDO:0011431, OMIM 604308.
Progeroid and marfanoid aspect-lipodystrophy syndrome. Also called: MARFANOID-PROGEROID SYNDROME; MARFAN-PROGEROID-LIPODYSTROPHY SYNDROME; Marfan lipodystrophy syndrome; MARFANOID-PROGEROID-LIPODYSTROPHY SYNDROME. Identifiers: Orphanet 300382, MedGen C4310796, MONDO:0014831, OMIM 616914.
Ectopia lentis 1, isolated, autosomal dominant (ECTOL1). Identifiers: Orphanet 1885, MedGen C3541518, MONDO:0007514, OMIM 129600.
Weill-Marchesani syndrome 2, dominant. Also called: Weill-Marchesani Syndrome, Autosomal Dominant; FBN1-Related Weill-Marchesani Syndrome. Identifiers: Orphanet 2084, MedGen C1869115, MONDO:0012013, OMIM 608328.
Acromicric dysplasia (ACMICD). Also called: Acromicric skeletal dysplasia. Identifiers: Orphanet 969, MedGen C0265287, MONDO:0007055, OMIM 102370.
Geleophysic dysplasia 2 (GPHYSD2). Identifiers: Orphanet 2623, MedGen C3280054, MONDO:0013612, OMIM 614185.
Stiff skin syndrome (SSKS). Identifiers: Orphanet 2833, MedGen C1861456, MONDO:0008492, OMIM 184900.
Marfan syndrome (MFS). Also called: Marfan syndrome type 1; Marfan syndrome, classic; Marfan's syndrome; FBN1-Related Marfan Syndrome; MARFAN SYNDROME, TYPE I. Identifiers: Orphanet 284963, Orphanet 558, MedGen C0024796, MONDO:0007947, OMIM 154700.
Familial thoracic aortic aneurysm and aortic dissection (TAAD). Also called: Thoracic aortic aneurysms and dissections. Identifiers: Orphanet 91387, MedGen C4707243, MONDO:0019625.

Allele frequency attached by ClinVar (database versions not stated): gnomAD 0.00001; gnomAD exomes 0.00001 and 0.00005; ExAC 0.00001; TOPMed 0.00002.
gnomAD v4.1: 79 of 1,613,820 alleles (0.0049%); highest among the groups gnomAD compares: Non-Finnish European, 0.0065%; no homozygotes.

Submissions (8):

Labcorp Genetics (formerly Invitae), Labcorp
Classification: Pathogenic for Marfan syndrome; Familial thoracic aortic aneurysm and aortic dissection. Last evaluated: 2026-01-12. Review status: criteria provided, single submitter. Criteria: Invitae Variant Classification Sherloc (09022015). Collection method: clinical testing. Allele origin: germline.
Comment: This sequence change replaces glycine, which is neutral and non-polar, with glutamic acid, which is acidic and polar, at codon 259 of the FBN1 protein (p.Gly259Glu). This variant is present in population databases (rs751169871, gnomAD 0.002%). This missense change has been observed in individuals with Marfan syndrome or aortic aneurysm (PMID: 25907466; internal data). ClinVar contains an entry for this variant (Variation ID: 549428). Invitae Evidence Modeling of protein sequence and biophysical properties (such as structural, functional, and spatial information, amino acid conservation, physicochemical variation, residue mobility, and thermodynamic stability) indicates that this missense variant is expected to disrupt FBN1 protein function with a positive predictive value of 95%. This variant disrupts the p.Gly259 amino acid residue in FBN1. Other variant(s) that disrupt this residue have been determined to be pathogenic (internal data). This suggests that this residue is clinically significant, and that variants that disrupt this residue are likely to be disease-causing. For these reasons, this variant has been classified as Pathogenic.

Color Diagnostics, LLC DBA Color Health
Classification: Uncertain significance for Familial thoracic aortic aneurysm and aortic dissection. Last evaluated: 2025-06-11. Review status: criteria provided, single submitter. Criteria: ACMG Guidelines, 2015. Collection method: clinical testing. Allele origin: germline.
Comment: This missense variant replaces glycine with glutamic acid at codon 259 of the FBN1 protein. Computational prediction suggests that this variant may have a deleterious impact on protein structure and function. To our knowledge, functional studies have not been reported for this variant. This variant has been reported in at least two individuals affected with Marfan syndrome or aortic aneurysm (PMID: 25907466, 35058154ClinVar SCV002254511.2). This variant has been identified in 2/251428 chromosomes in the general population by the Genome Aggregation Database (gnomAD). The available evidence is insufficient to determine the role of this variant in disease conclusively. Therefore, this variant is classified as a Variant of Uncertain Significance.

Ambry Genetics
Classification: Uncertain significance for Familial thoracic aortic aneurysm and aortic dissection. Last evaluated: 2025-01-02. Review status: criteria provided, single submitter. Criteria: Ambry Variant Classification Scheme 2023. Collection method: clinical testing. Allele origin: germline.
Comment: The p.G259E variant (also known as c.776G>A), located in coding exon 7 of the FBN1 gene, results from a G to A substitution at nucleotide position 776. The glycine at codon 259 is replaced by glutamic acid, an amino acid with similar properties. This variant was reported in individual(s) with features consistent with Marfan syndrome (Meester JAN et al. Genet Med, 2022 May;24:1045-1053). This amino acid position is highly conserved in available vertebrate species. In addition, this alteration is predicted to be deleterious by in silico analysis. Based on the available evidence, the clinical significance of this variant remains unclear.

All of Us Research Program, National Institutes of Health
Classification: Uncertain significance for Marfan syndrome. Last evaluated: 2024-09-23. Review status: criteria provided, single submitter. Criteria: ACMG Guidelines, 2015. Collection method: clinical testing. Allele origin: germline. Inheritance: Autosomal dominant inheritance. Observed: 5 variant alleles, 5 heterozygotes.
Comment: This missense variant replaces glycine with glutamic acid at codon 259 of the FBN1 protein. Computational prediction suggests that this variant may have deleterious impact on protein structure and function (internally defined REVEL score threshold >= 0.7, PMID: 27666373). To our knowledge, functional studies have not been reported for this variant. This variant has been reported in at least two individuals affected with Marfan syndrome or aortic aneurysm (PMID: 25907466, ClinVar SCV002254511.2). This variant has been identified in 2/251428 chromosomes in the general population by the Genome Aggregation Database (gnomAD). The available evidence is insufficient to determine the role of this variant in disease conclusively. Therefore, this variant is classified as a Variant of Uncertain Significance.

This study involves interpretation of variants in research participants for the purpose of population health screening. Participant phenotype was not available at the time of variant classification. Additional details can be found in publication PMID: 35346344, PMCID: PMC8962531

Fulgent Genetics
Classification: Uncertain significance for Acromicric dysplasia; Ectopia lentis 1, isolated, autosomal dominant; Marfan syndrome; Stiff skin syndrome; MASS syndrome; Weill-Marchesani syndrome 2, dominant; Geleophysic dysplasia 2; Progeroid and marfanoid aspect-lipodystrophy syndrome. Last evaluated: 2021-10-07. Review status: criteria provided, single submitter. Criteria: ACMG Guidelines, 2015. Collection method: clinical testing. Allele origin: unknown.

Centre of Medical Genetics, University of Antwerp
Classification: Uncertain significance for Marfan syndrome. Last evaluated: 2021-03-01. Review status: criteria provided, single submitter. Criteria: Submitter's publication. Collection method: research. Allele origin: unknown. Affected: yes.
Comment: PM2, PP3, PP4

GeneDx
Classification: Uncertain significance. Last evaluated: 2020-06-29. Review status: criteria provided, single submitter. Criteria: GeneDx Variant Classification Process June 2021. Collection method: clinical testing. Allele origin: germline. Affected: yes.
Comment: Not observed at a significant frequency in large population cohorts (Lek et al., 2016); In silico analysis, which includes protein predictors and evolutionary conservation, supports a deleterious effect; Although located in a calcium-binding EGF-like domain of the FBN1 gene, it does not affect a cysteine residue within this domain; cysteine substitutions in the calcium-binding EGF-like domains represent the majority of pathogenic missense changes associated with FBN1 related disorders (Collod-Beroud et al., 2003); Reported in ClinVar as a variant of uncertain significance (ClinVar Variant ID# 549428; Landrum et al., 2016); This variant is associated with the following publications: (PMID: 25907466)

Center for Medical Genetics Ghent, University of Ghent
Classification: Uncertain significance for Marfan syndrome. Last evaluated: 2017-11-07. Review status: no assertion criteria provided. Collection method: clinical testing. Allele origin: germline. Affected: yes. Not counted in ClinVar's aggregate classification.

Literature cited by the submitters: PubMed 25907466 (cited by 3 submitters); PubMed 35058154 (cited by Color Diagnostics, LLC DBA Color Health and Ambry Genetics).